The following is an entry in ClinVar:

NM_198510.3(ITIH6):c.103-6T>C

Gene: ITIH6 (inter-alpha-trypsin inhibitor heavy chain family member 6; minus strand). Cytogenetic location: Xp11.22.
Variant type: single nucleotide variant.
Coding change: c.103-6T>C on transcript NM_198510.3 (MANE Select); 6 bases into the intron before coding-DNA position 103, T replaced by C.
Molecular consequence: intron variant.
Genome position (GRCh38, 1-based): chrX:54,797,102, A>G on the plus strand (T>C on the coding strand, the complement: ITIH6 is on the minus strand). VCF-style: chrX-54797102-A-G. GRCh37 (hg19) VCF-style: chrX-54823535-A-G.
Identifiers: ClinVar variation 3046367 (VCV003046367.2), dbSNP rs757038604, ClinGen allele CA328935202.

ClinVar aggregate classification (germline): Likely benign (0 of 4 stars; one submission).

Conditions:
ITIH6-related disorder. Also called: ITIH6-related condition.

Allele frequency attached by ClinVar (database versions not stated): gnomAD 0.00002; TOPMed 0.00002; gnomAD exomes 0.00006.
gnomAD v4.1: 60 of 1,204,536 alleles (0.005%); highest among the groups gnomAD compares: Non-Finnish European, 0.0067%; no homozygotes.

Submission:

PreventionGenetics, part of Exact Sciences
Classification: Likely benign for ITIH6-related condition. Last evaluated: 2019-04-01. Review status: no assertion criteria provided. Collection method: clinical testing. Allele origin: germline.
Comment: This variant is classified as likely benign based on ACMG/AMP sequence variant interpretation guidelines (Richards et al. 2015 PMID: 25741868, with internal and published modifications).